The following is an entry in ClinVar:

NM_002474.3(MYH11):c.2459A>G (p.Gln820Arg)

Gene: MYH11 (myosin heavy chain 11; minus strand). Cytogenetic location: 16p13.11.
Variant type: single nucleotide variant.
Coding change: c.2459A>G on transcript NM_002474.3 (MANE Select); coding-DNA position 2459, A replaced by G.
Protein change: p.Gln820Arg; replaces glutamine 820 with arginine.
Molecular consequence: missense variant.
Genome position (GRCh38, 1-based): chr16:15,745,190, T>C on the plus strand (A>G on the coding strand, the complement: MYH11 is on the minus strand). VCF-style: chr16-15745190-T-C. GRCh37 (hg19) VCF-style: chr16-15839047-T-C.
Other names: c.2480A>G, p.Gln827Arg (NM_001040113.2, NM_001040114.2); c.2459A>G, p.Gln820Arg (NM_022844.3); short protein forms Q827R, Q820R.
Identifiers: ClinVar variation 5025072 (VCV005025072.1).

ClinVar aggregate classification (germline): Uncertain significance (1 of 4 stars; one submission).

Conditions:
Familial thoracic aortic aneurysm and aortic dissection (TAAD). Also called: Thoracic aortic aneurysms and dissections. Identifiers: Orphanet 91387, MedGen C4707243, MONDO:0019625.

gnomAD v4.1: 1 of 1,613,992 alleles (0.000062%); highest among the groups gnomAD compares: East Asian, 0.0022%; no homozygotes.

Submission:

Ambry Genetics
Classification: Uncertain significance for Familial thoracic aortic aneurysm and aortic dissection. Last evaluated: 2026-07-02. Review status: criteria provided, single submitter. Criteria: Ambry Variant Classification Scheme 2023. Collection method: clinical testing. Allele origin: germline.
Comment: The p.Q820R variant (also known as c.2459A>G), located in coding exon 19 of the MYH11 gene, results from an A to G substitution at nucleotide position 2459. The glutamine at codon 820 is replaced by arginine, an amino acid with highly similar properties. This amino acid position is conserved. In addition, this alteration is predicted to be deleterious by in silico analysis. Based on the available evidence, the clinical significance of this variant remains unclear.